The following is an entry in ClinVar:

ClinVar aggregate classification (germline): Uncertain significance (0 of 4 stars; one submission).

Conditions:
Familial cancer of breast. Also called: Hereditary breast cancer; BREAST CANCER, FAMILIAL; hereditary breast carcinoma. Identifiers: Orphanet 227535, MedGen C0346153, MONDO:0016419, OMIM 114480. Disease mechanism: loss of function.

Submission:

Biotechnology, Institute of Science, Nirma University
Classification: Uncertain significance for Familial cancer of breast. Last evaluated: 2023-03-08. Review status: no assertion criteria provided. Collection method: clinical testing. Allele origin: germline. Affected: yes. Observed: 1 variant allele, 1 heterozygote.
Comment: The NOS3 constitutional genetic variant indicated here is a novel variant. The variant has a deletion, yet its interaction with NOSTRIN protein is not known to be affected as validated through datamining (PMID: 12446846). Due to the novelity and yet its unknown role of this particular variant in breast cancer has been classified as variant of unknown significance. There are evidences which indicate the role of NOS3 in breast and ovarian cancers by promoting angiogeneis and metastasis.

Literature cited by the submitters: PubMed 12446846; PubMed 33747912; PubMed 32030066; PubMed 29634348.

NM_000603.5(NOS3):c.1250_1259del (p.Ile417fs)

Genes: NOS3 (nitric oxide synthase 3; plus strand), LOC126860224 (CDK7 strongly-dependent group 2 enhancer GRCh37_chr7:150698330-150699529; plus strand). Cytogenetic location: 7q36.1.
Variant type: Deletion.
Coding change: c.1250_1259del on transcript NM_000603.5 (MANE Select); coding-DNA positions 1250 to 1259, 10 bases deleted (TCGTGGACCA; older notation c.1250_1259delTCGTGGACCA).
Protein change: p.Ile417fs; shifts the reading frame from isoleucine 417.
Molecular consequence: frameshift variant.
Genome position (GRCh38, 1-based): chr7:151,001,247-151,001,256, TCGTGGACCA deleted; deleting any 10 consecutive bases within chr7:151,001,243-151,001,256 gives the same sequence; the c. name uses the placement nearest the transcript's 3' end. VCF-style (leftmost placement, unchanged base first): chr7-151001242-CACCATCGTGG-C. GRCh37 (hg19) VCF-style: chr7-150698330-CACCATCGTGG-C.
Other names: c.1250_1259del, p.Ile417fs (NM_001160109.2, NM_001160110.1, NM_001160111.1); c.1246_1255del (NM_001160109.2); short protein forms I417fs.
Identifiers: ClinVar variation 3068500 (VCV003068500.2), dbSNP rs2486220230, ClinGen allele CA2825001552.